The following is an entry in ClinVar:

NM_005902.4(SMAD3):c.359T>G (p.Val120Gly)

Gene: SMAD3 (SMAD family member 3; plus strand). Cytogenetic location: 15q22.33.
Variant type: single nucleotide variant.
Coding change: c.359T>G on transcript NM_005902.4 (MANE Select); coding-DNA position 359, T replaced by G.
Protein change: p.Val120Gly; replaces valine 120 with glycine.
Molecular consequence: missense variant.
Genome position (GRCh38, 1-based): chr15:67,165,047, T>G. VCF-style: chr15-67165047-T-G. GRCh37 (hg19) VCF-style: chr15-67457385-T-G.
Other names: c.44T>G, p.Val15Gly (NM_001145102.2); c.227T>G, p.Val76Gly (NM_001145103.2); short protein forms V120G, V76G, V15G.
Identifiers: ClinVar variation 840656 (VCV000840656.8), dbSNP rs1962540440, ClinGen allele CA392954126.

ClinVar aggregate classification (germline): Uncertain significance (1 of 4 stars; one submission).

Conditions:
Familial thoracic aortic aneurysm and aortic dissection (TAAD). Also called: Thoracic aortic aneurysms and dissections. Identifiers: Orphanet 91387, MedGen C4707243, MONDO:0019625.

Submission:

Labcorp Genetics (formerly Invitae), Labcorp
Classification: Uncertain significance for Familial thoracic aortic aneurysm and aortic dissection. Last evaluated: 2019-04-20. Review status: criteria provided, single submitter. Criteria: Invitae Variant Classification Sherloc (09022015). Collection method: clinical testing. Allele origin: germline.
Comment: Algorithms developed to predict the effect of missense changes on protein structure and function are either unavailable or do not agree on the potential impact of this missense change (SIFT: "Not Available"; PolyPhen-2: "Possibly Damaging"; Align-GVGD: "Not Available"). This sequence change replaces valine with glycine at codon 120 of the SMAD3 protein (p.Val120Gly). The valine residue is moderately conserved and there is a moderate physicochemical difference between valine and glycine. This variant is not present in population databases (ExAC no frequency). This variant has not been reported in the literature in individuals with SMAD3-related conditions. In summary, the available evidence is currently insufficient to determine the role of this variant in disease. Therefore, it has been classified as a Variant of Uncertain Significance.